The following is an entry in ClinVar:

NM_005739.4(RASGRP1):c.1045G>A (p.Asp349Asn)

Gene: RASGRP1 (RAS guanyl releasing protein 1; minus strand). Cytogenetic location: 15q14.
Variant type: single nucleotide variant.
Coding change: c.1045G>A on transcript NM_005739.4 (MANE Select); coding-DNA position 1045, G replaced by A.
Protein change: p.Asp349Asn; replaces aspartic acid 349 with asparagine.
Molecular consequence: missense variant.
Genome position (GRCh38, 1-based): chr15:38,507,923, C>T on the plus strand (G>A on the coding strand, the complement: RASGRP1 is on the minus strand). VCF-style: chr15-38507923-C-T. GRCh37 (hg19) VCF-style: chr15-38800124-C-T.
Other names: c.1045G>A, p.Asp349Asn (NM_001128602.2, NM_001306086.2); short protein forms D349N.
Identifiers: ClinVar variation 2974186 (VCV002974186.3), dbSNP rs565898524, ClinGen allele CA7470968.

ClinVar aggregate classification (germline): Uncertain significance (1 of 4 stars; one submission).

Allele frequency attached by ClinVar (database versions not stated): TOPMed 0.00001; ExAC 0.00003; 1000 Genomes Project 0.00040; 1000 Genomes Project 30x 0.00047; gnomAD 0.00002.
gnomAD v4.1: 15 of 1,613,104 alleles (0.00093%); highest among the groups gnomAD compares: East Asian, 0.0067%; no homozygotes.

Submission:

Labcorp Genetics (formerly Invitae), Labcorp
Classification: Uncertain significance. Last evaluated: 2025-12-10. Review status: criteria provided, single submitter. Criteria: Invitae Variant Classification Sherloc (09022015). Collection method: clinical testing. Allele origin: germline.
Comment: This sequence change replaces aspartic acid, which is acidic and polar, with asparagine, which is neutral and polar, at codon 349 of the RASGRP1 protein (p.Asp349Asn). This variant is present in population databases (rs565898524, gnomAD 0.01%). This variant has not been reported in the literature in individuals affected with RASGRP1-related conditions. ClinVar contains an entry for this variant (Variation ID: 2974186). Invitae Evidence Modeling of protein sequence and biophysical properties (such as structural, functional, and spatial information, amino acid conservation, physicochemical variation, residue mobility, and thermodynamic stability) indicates that this missense variant is not expected to disrupt RASGRP1 protein function with a negative predictive value of 80%. In summary, the available evidence is currently insufficient to determine the role of this variant in disease. Therefore, it has been classified as a Variant of Uncertain Significance.